The following is an entry in ClinVar:

ClinVar aggregate classification (germline): Benign. Review status: criteria provided, multiple submitters, no conflicts (2 of 4 stars). 4 submissions from 4 submitters: Benign (4). Last evaluated 2026-02-01.

Conditions:
Retinal cone dystrophy 4 (RCD4). Identifiers: Orphanet 1872, MedGen C1864849, MONDO:0012507, OMIM 610478.

Allele frequency attached by ClinVar (database versions not stated): TOPMed 0.01581; 1000 Genomes Project 0.01657; gnomAD exomes 0.00165 and 0.00379; gnomAD 0.01455 and 0.01555; ExAC 0.00435; 1000 Genomes Project 30x 0.01796; ESP Exome Variant Server 0.01244.
gnomAD v4.1: 4,787 of 1,613,972 alleles (0.3%); highest among the groups gnomAD compares: African/African-American, 4.7%; 111 homozygotes.

Submissions (4):

Labcorp Genetics (formerly Invitae), Labcorp
Classification: Benign. Last evaluated: 2026-02-01. Review status: criteria provided, single submitter. Criteria: Invitae Variant Classification Sherloc (09022015). Collection method: clinical testing. Allele origin: germline.

Illumina Laboratory Services, Illumina
Classification: Benign for Retinal cone dystrophy 4. Last evaluated: 2018-01-13. Review status: criteria provided, single submitter. Criteria: ICSL Variant Classification Criteria 13 December 2019. Collection method: clinical testing. Allele origin: germline.
Comment: This variant was observed in the ICSL laboratory as part of a predisposition screen in an ostensibly healthy population. It had not been previously curated by ICSL or reported in the Human Gene Mutation Database (HGMD: prior to June 1st, 2018), and was therefore a candidate for classification through an automated scoring system. Utilizing variant allele frequency, disease prevalence and penetrance estimates, and inheritance mode, an automated score was calculated to assess if this variant is too frequent to cause the disease. Based on the score and internal cut-off values, a variant classified as benign is not then subjected to further curation. The score for this variant resulted in a classification of benign for this disease.

Breakthrough Genomics
Classification: Benign. Review status: criteria provided, single submitter. Criteria: ACMG Guidelines, 2015. Collection method: not provided. Allele origin: germline. Inheritance: Autosomal recessive inheritance. Affected: yes.

PreventionGenetics, part of Exact Sciences
Classification: Benign. Review status: criteria provided, single submitter. Criteria: ACMG Guidelines, 2015. Collection method: clinical testing. Allele origin: germline.

NM_172364.5(CACNA2D4):c.2087A>G (p.His696Arg)

Gene: CACNA2D4 (calcium voltage-gated channel auxiliary subunit alpha2delta 4; minus strand). Cytogenetic location: 12p13.33.
Variant type: single nucleotide variant.
Coding change: c.2087A>G on transcript NM_172364.5 (MANE Select); coding-DNA position 2087, A replaced by G.
Protein change: p.His696Arg; replaces histidine 696 with arginine.
Molecular consequence: missense variant.
Genome position (GRCh38, 1-based): chr12:1,856,077, T>C on the plus strand (A>G on the coding strand, the complement: CACNA2D4 is on the minus strand). VCF-style: chr12-1856077-T-C. GRCh37 (hg19) VCF-style: chr12-1965243-T-C.
Other names: short protein forms H696R.
Identifiers: ClinVar variation 262813 (VCV000262813.17), dbSNP rs115228472, ClinGen allele CA6386850.
Genomic context (GRCh38, chr12:1,856,077, plus strand): 5'-AGGTCTGGGTCCTTCCTGGTGAGGAAGCGGATCATGGCCTCTAGCTGGCTGAGCTTCCGG[T>C]GGTCTGGGTCAATATCTGTGATGCAGTAGATCCTGAAACCCAGGAAAGTCAGTGTTATCT-3'
Protein context (NP_758952.4, residues 686-706): IYCITDIDPD[His696Arg]RKLSQLEAMI